The following is an entry in ClinVar:

ClinVar aggregate classification (germline): Uncertain significance (1 of 4 stars; one submission).

Allele frequency attached by ClinVar (database versions not stated): TOPMed below 0.00001; gnomAD 0.00001.
gnomAD v4.1: 1 of 1,613,800 alleles (0.000062%); highest among the groups gnomAD compares: African/African-American, 0.0013%; no homozygotes.

Submission:

GeneDx
Classification: Uncertain significance. Last evaluated: 2023-02-23. Review status: criteria provided, single submitter. Criteria: GeneDx Variant Classification Process June 2021. Collection method: clinical testing. Allele origin: germline. Affected: yes.
Comment: Not observed at significant frequency in large population cohorts (gnomAD); In silico analysis supports that this missense variant does not alter protein structure/function; Has not been previously published as pathogenic or benign to our knowledge

NM_001378414.1(HDAC4):c.2355G>C (p.Glu785Asp)

Gene: HDAC4 (histone deacetylase 4; minus strand). Cytogenetic location: 2q37.3.
Variant type: single nucleotide variant.
Coding change: c.2355G>C on transcript NM_001378414.1 (MANE Select); coding-DNA position 2355, G replaced by C.
Protein change: p.Glu785Asp; replaces glutamic acid 785 with aspartic acid.
Molecular consequence: missense variant.
Genome position (GRCh38, 1-based): chr2:239,090,042, C>G on the plus strand (G>C on the coding strand, the complement: HDAC4 is on the minus strand). VCF-style: chr2-239090042-C-G. GRCh37 (hg19) VCF-style: chr2-240011738-C-G.
Other names: c.2355G>C, p.Glu785Asp (NM_001378415.1); c.2340G>C, p.Glu780Asp (NM_001378416.1, NM_001378417.1, NM_006037.4); short protein forms E780D, E785D.
Identifiers: ClinVar variation 2577683 (VCV002577683.1), dbSNP rs1200099668, ClinGen allele CA351264479.